The following is an entry in ClinVar:

ClinVar aggregate classification (germline): Pathogenic (1 of 4 stars; one submission).

Conditions:
Congenital myotonia, autosomal dominant form (THD). Also called: THOMSEN DISEASE; Myotonia congenita autosomal dominant. Identifiers: Orphanet 614, MedGen C2936781, MONDO:0008055, OMIM 160800.
Congenital myotonia, autosomal recessive form. Also called: BECKER DISEASE; Becker Generalized Myotonia; myotonia congenita, autosomal recessive. Identifiers: Orphanet 614, MedGen C0751360, MONDO:0009715, OMIM 255700.

Submission:

Labcorp Genetics (formerly Invitae), Labcorp
Classification: Pathogenic for Congenital myotonia, autosomal recessive form; Congenital myotonia, autosomal dominant form. Last evaluated: 2022-07-19. Review status: criteria provided, single submitter. Criteria: Invitae Variant Classification Sherloc (09022015). Collection method: clinical testing. Allele origin: germline.
Comment: This variant is not present in population databases (gnomAD no frequency). For these reasons, this variant has been classified as Pathogenic. ClinVar contains an entry for this variant (Variation ID: 648711). This variant has not been reported in the literature in individuals affected with CLCN1-related conditions. This sequence change creates a premature translational stop signal (p.Arg453Glyfs*14) in the CLCN1 gene. It is expected to result in an absent or disrupted protein product. Loss-of-function variants in CLCN1 are known to be pathogenic (PMID: 17932099, 22094069, 23739125).

Literature cited by the submitters: PubMed 17932099; PubMed 22094069; PubMed 23739125.

NM_000083.3(CLCN1):c.1357del (p.Arg453fs)

Gene: CLCN1 (chloride voltage-gated channel 1; plus strand). Cytogenetic location: 7q34.
Variant type: Deletion.
Coding change: c.1357del on transcript NM_000083.3 (MANE Select); coding-DNA position 1357, one base deleted (C; older notation c.1357delC).
Protein change: p.Arg453fs; shifts the reading frame from arginine 453.
Molecular consequence: frameshift variant.
Genome position (GRCh38, 1-based): chr7:143,332,829, C deleted; the last of 5 consecutive C bases (chr7:143,332,825-143,332,829); deleting any one gives the same sequence. VCF-style (leftmost placement, unchanged base first): chr7-143332824-AC-A. GRCh37 (hg19) VCF-style: chr7-143029917-AC-A.
Other names: short protein forms R453fs.
Identifiers: ClinVar variation 648711 (VCV000648711.6), dbSNP rs1586499614, ClinGen allele CA915945544.
Genomic context (GRCh38, chr7:143,332,824, plus strand): 5'-ATACATGGGTGAAACACGCGGGTGATCCTGAGAGCCTGGGCCAGTCAGCTGTGTGGATTC[AC>A]CCCCGGGTCAACGTTGTCATCATCATCTTTCTCTTCTTCGTCATGAAGGTACTGCTCCTG-3'